The following is an entry in ClinVar:

NM_006206.6(PDGFRA):c.2440-6A>G

Gene: PDGFRA (platelet derived growth factor receptor alpha; plus strand). Cytogenetic location: 4q12.
Variant type: single nucleotide variant.
Coding change: c.2440-6A>G on transcript NM_006206.6 (MANE Select); 6 bases into the intron before coding-DNA position 2440, A replaced by G.
Molecular consequence: intron variant.
Genome position (GRCh38, 1-based): chr4:54,285,835, A>G. VCF-style: chr4-54285835-A-G. GRCh37 (hg19) VCF-style: chr4-55152002-A-G.
Other names: c.2515-6A>G (NM_001347828.2); c.2440-6A>G (NM_001347829.2); c.2479-6A>G (NM_001347830.2).
Identifiers: ClinVar variation 698243 (VCV000698243.12), dbSNP rs1577742132, ClinGen allele CA915943061.

ClinVar aggregate classification (germline): Likely benign. Review status: criteria provided, multiple submitters, no conflicts (2 of 4 stars). 2 submissions from 2 submitters: Likely benign (2). Last evaluated 2026-06-15.

Conditions:
Polyps, multiple and recurrent inflammatory fibroid, gastrointestinal. Identifiers: MedGen C5193005, MONDO:0008285, OMIM 175510.
Gastrointestinal stromal tumor. Also called: Gastrointestinal stromal tumor, somatic; Gastrointestinal stroma tumor. Identifiers: Orphanet 44890, MedGen C0238198, MeSH D046152, MONDO:0011719, OMIM 606764, HP:0100723.

Allele frequency attached by ClinVar (database versions not stated): TOPMed 0.00001.

Submissions (2):

Myriad Genetics, Inc.
Classification: Likely benign for Polyps, multiple and recurrent inflammatory fibroid, gastrointestinal. Last evaluated: 2026-06-15. Review status: criteria provided, single submitter. Criteria: Myriad Autosomal Dominant, Autosomal Recessive and X-Linked Classification Criteria (2023). Collection method: clinical testing. Allele origin: unknown.
Comment: This variant is considered likely benign. This variant is intronic and is not expected to impact mRNA splicing.

Labcorp Genetics (formerly Invitae), Labcorp
Classification: Likely benign for Gastrointestinal stromal tumor. Last evaluated: 2025-08-04. Review status: criteria provided, single submitter. Criteria: Invitae Variant Classification Sherloc (09022015). Collection method: clinical testing. Allele origin: germline.